The following is an entry in ClinVar:

NM_144666.3(DNHD1):c.6044T>C (p.Met2015Thr)

Gene: DNHD1 (dynein heavy chain domain 1; plus strand). Cytogenetic location: 11p15.4.
Variant type: single nucleotide variant.
Coding change: c.6044T>C on transcript NM_144666.3 (MANE Select); coding-DNA position 6044, T replaced by C.
Protein change: p.Met2015Thr; replaces methionine 2015 with threonine.
Molecular consequence: missense variant.
Genome position (GRCh38, 1-based): chr11:6,546,983, T>C. VCF-style: chr11-6546983-T-C. GRCh37 (hg19) VCF-style: chr11-6568213-T-C.
Other names: short protein forms M2015T.
Identifiers: ClinVar variation 3060722 (VCV003060722.2), dbSNP rs58186801, ClinGen allele CA5856103.
Genomic context (GRCh38, chr11:6,546,983, plus strand): 5'-GCAGCGGCAAGACCACTTGTTGGCACAGCTTATTTAAGATCCAGAATCGGCTGGCAGCCA[T>C]GGAGGACACCTCAACCCAAGGCTGCCAGCCTGTGGAAATTACCCACCTGTACCCCAGTGG-3'
Protein context (NP_653267.2, residues 2005-2025): LFKIQNRLAA[Met2015Thr]EDTSTQGCQP

ClinVar aggregate classification (germline): Benign (0 of 4 stars; one submission).

Conditions:
DNHD1-related disorder. Also called: DNHD1-related condition.

Allele frequency attached by ClinVar (database versions not stated): 1000 Genomes Project 30x 0.13554; 1000 Genomes Project 0.13938; TOPMed 0.16502; ExAC 0.16672; gnomAD 0.16700; ESP Exome Variant Server 0.16805; gnomAD exomes 0.21244.
gnomAD v4.1: 321,308 of 1,550,736 alleles (21%); highest among the groups gnomAD compares: Admixed American, 26%; 35,285 homozygotes.

Submission:

PreventionGenetics, part of Exact Sciences
Classification: Benign for DNHD1-related condition. Last evaluated: 2019-10-29. Review status: no assertion criteria provided. Collection method: clinical testing. Allele origin: germline.
Comment: This variant is classified as benign based on ACMG/AMP sequence variant interpretation guidelines (Richards et al. 2015 PMID: 25741868, with internal and published modifications).